The following is an entry in ClinVar:

ClinVar aggregate classification (germline): Uncertain significance. Review status: criteria provided, multiple submitters, no conflicts (2 of 4 stars). 3 submissions from 3 submitters: Uncertain significance (3). Last evaluated 2025-07-07.

Conditions:
Polycystic kidney disease, adult type (PKD1). Also called: Polycystic Kidney Disease 1, Autosomal Dominant; Polycystic kidney disease 1; Polycystic kidney disease 1, severe; Polycystic Kidney, Autosomal Dominant; POLYCYSTIC KIDNEY DISEASE 1 WITH OR WITHOUT POLYCYSTIC LIVER DISEASE; POLYCYSTIC KIDNEY DISEASE, ADULT, TYPE I. Identifiers: MedGen C3149841, MONDO:0008263, OMIM 173900.

Submissions (3):

Women's Health and Genetics/Laboratory Corporation of America, LabCorp
Classification: Uncertain significance. Last evaluated: 2025-07-07. Review status: criteria provided, single submitter. Criteria: LabCorp Variant Classification Summary - May 2015. Collection method: clinical testing. Allele origin: germline.
Comment: Variant summary: PKD1 c.4646G>C (p.Arg1549Pro) results in a non-conservative amino acid change in the encoded protein sequence. Algorithms developed to predict the effect of missense changes on protein structure and function are either unavailable or do not agree on the potential impact of this missense change. The variant was absent in 247750 control chromosomes. The available data on variant occurrences in the general population are insufficient to allow any conclusion about variant significance. To our knowledge, no occurrence of c.4646G>C in individuals affected with PKD1-Biallelic Autosomal Recessive Polycystic Kidney Disease and no experimental evidence demonstrating its impact on protein function have been reported. ClinVar contains an entry for this variant (Variation ID: 1802044). Based on the evidence outlined above, the variant was classified as uncertain significance.

Department of Pathology and Laboratory Medicine, Sinai Health System
Classification: Uncertain significance for Polycystic kidney disease, adult type. Last evaluated: 2022-10-04. Review status: criteria provided, single submitter. Criteria: ACMG Guidelines, 2015. Collection method: clinical testing. Allele origin: germline.

GeneDx
Classification: Uncertain significance. Last evaluated: 2022-05-31. Review status: criteria provided, single submitter. Criteria: GeneDx Variant Classification Process June 2021. Collection method: clinical testing. Allele origin: germline. Affected: yes.
Comment: Not observed at significant frequency in large population cohorts (gnomAD); In silico analysis supports that this missense variant does not alter protein structure/function; Has not been previously published as pathogenic or benign to our knowledge

NM_001009944.3(PKD1):c.4646G>C (p.Arg1549Pro)

Gene: PKD1 (polycystin 1, transient receptor potential channel interacting; minus strand). Cytogenetic location: 16p13.3.
Variant type: single nucleotide variant.
Coding change: c.4646G>C on transcript NM_001009944.3 (MANE Select); coding-DNA position 4646, G replaced by C.
Protein change: p.Arg1549Pro; replaces arginine 1549 with proline.
Molecular consequence: missense variant.
Genome position (GRCh38, 1-based): chr16:2,110,521, C>G on the plus strand (G>C on the coding strand, the complement: PKD1 is on the minus strand). VCF-style: chr16-2110521-C-G. GRCh37 (hg19) VCF-style: chr16-2160522-C-G.
Other names: c.4646G>C, p.Arg1549Pro (NM_000296.4); short protein forms R1549P.
Identifiers: ClinVar variation 1802044 (VCV001802044.4), dbSNP rs530555146, ClinGen allele CA394379534.
Genomic context (GRCh38, chr16:2,110,521, plus strand): 5'-CTGAAGCTCACGCTCCCATTCAGGGGCACCACCGTGCGGCTTGCATTGACGACGAGCCCC[C>G]GCACGCGCCGCTTCACCGTCACATTGAGCCAGGCCTCGCTGCGGCTCACCTCATTCCAGC-3'
Protein context (NP_001009944.3, residues 1539-1559): WLNVTVKRRV[Arg1549Pro]GLVVNASRTV